The following is an entry in ClinVar:

ClinVar aggregate classification (germline): Uncertain significance (1 of 4 stars; one submission).

Submission:

CeGaT Center for Human Genetics Tuebingen
Classification: Uncertain significance. Last evaluated: 2023-11-01. Review status: criteria provided, single submitter. Criteria: CeGaT Center For Human Genetics Tuebingen Variant Classification Criteria Version 2. Collection method: clinical testing. Allele origin: germline. Affected: yes. Observed: 1 variant allele.
Comment: CRKL: PM2, PVS1:Supporting

NM_005207.4(CRKL):c.79del (p.Arg27fs)

Gene: CRKL (CRK like proto-oncogene, adaptor protein; plus strand). Cytogenetic location: 22q11.21.
Variant type: Deletion.
Coding change: c.79del on transcript NM_005207.4 (MANE Select); coding-DNA position 79, one base deleted (C; older notation c.79delC).
Protein change: p.Arg27fs; shifts the reading frame from arginine 27.
Molecular consequence: frameshift variant. On other transcripts: non-coding transcript variant (1).
Genome position (GRCh38, 1-based): chr22:20,918,013, C deleted; the last of 3 consecutive C bases (chr22:20,918,011-20,918,013); deleting any one gives the same sequence. VCF-style (leftmost placement, unchanged base first): chr22-20918010-AC-A. GRCh37 (hg19) VCF-style: chr22-21272298-AC-A.
Other names: short protein forms R27fs.
Identifiers: ClinVar variation 2672897 (VCV002672897.23), dbSNP rs2518538588, ClinGen allele CA2695200067.